The following is an entry in ClinVar:

ClinVar aggregate classification (germline): Pathogenic. Review status: reviewed by expert panel (3 of 4 stars). 4 submissions from 4 submitters: Pathogenic (1). 3 of the submissions do not count toward it. Last evaluated 2016-09-08.

Conditions:
Breast-ovarian cancer, familial, susceptibility to, 2 (BROVCA2). Also called: BRCA2 Hereditary Breast and Ovarian Cancer. Identifiers: Orphanet 145, MedGen C2675520, MONDO:0012933, OMIM 612555. Disease mechanism: loss of function.

Submissions (4):

Evidence-based Network for the Interpretation of Germline Mutant Alleles (ENIGMA)
Classification: Pathogenic for Breast-ovarian cancer, familial, susceptibility to, 2. Last evaluated: 2016-09-08. Review status: reviewed by expert panel. Criteria: ENIGMA BRCA1/2 Classification Criteria (2015). Collection method: curation. Allele origin: germline.
Comment: Variant allele predicted to encode a truncated non-functional protein.

CeGaT Center for Human Genetics Tuebingen
Classification: Pathogenic. Last evaluated: 2017-07-01. Review status: criteria provided, single submitter. Criteria: CeGaT Center For Human Genetics Tuebingen Variant Classification Criteria Version 2. Collection method: clinical testing. Allele origin: germline. Affected: yes. Observed: 1 variant allele. Not counted in ClinVar's aggregate classification.

Consortium of Investigators of Modifiers of BRCA1/2 (CIMBA), c/o University of Cambridge
Classification: Pathogenic for Breast-ovarian cancer, familial, susceptibility to, 2. Last evaluated: 2015-10-02. Review status: criteria provided, single submitter. Criteria: CIMBA Mutation Classification guidelines May 2016. Collection method: clinical testing. Allele origin: germline. Not counted in ClinVar's aggregate classification.

Breast Cancer Information Core (BIC) (BRCA2)
Classification: Pathogenic for Breast-ovarian cancer, familial 2. Review status: no assertion criteria provided. Collection method: clinical testing. Allele origin: germline. Affected: yes. Observed: 1 variant allele. Not counted in ClinVar's aggregate classification.

NM_000059.4(BRCA2):c.1705del (p.Gln569fs)

Gene: BRCA2 (BRCA2 DNA repair associated; plus strand). Cytogenetic location: 13q13.1.
Variant type: Deletion.
Coding change: c.1705del on transcript NM_000059.4 (MANE Select); coding-DNA position 1705, one base deleted (C; older notation c.1705delC).
Protein change: p.Gln569fs; shifts the reading frame from glutamine 569.
Molecular consequence: frameshift variant.
Genome position (GRCh38, 1-based): chr13:32,333,183, C deleted. VCF-style (leftmost placement, unchanged base first): chr13-32333182-AC-A. GRCh37 (hg19) VCF-style: chr13-32907319-AC-A.
Other names: 1933delC; c.1705delC (NM_000059.3).
Identifiers: ClinVar variation 51176 (VCV000051176.43), dbSNP rs80359300, ClinGen allele CA012955.